The following is an entry in ClinVar:

NM_000382.3(ALDH3A2):c.78G>T (p.Gln26His)

Gene: ALDH3A2 (aldehyde dehydrogenase 3 family member A2; plus strand). Cytogenetic location: 17p11.2.
Variant type: single nucleotide variant.
Coding change: c.78G>T on transcript NM_000382.3 (MANE Select); coding-DNA position 78, G replaced by T.
Protein change: p.Gln26His; replaces glutamine 26 with histidine.
Molecular consequence: missense variant. On other transcripts: 5 prime UTR variant (1).
Genome position (GRCh38, 1-based): chr17:19,649,049, G>T. VCF-style: chr17-19649049-G-T. GRCh37 (hg19) VCF-style: chr17-19552362-G-T.
Other names: c.78G>T, p.Gln26His (NM_001031806.2, NM_001369136.1, NM_001369137.2 and 3 more transcripts); c.-611G>T (NM_001369148.2); short protein forms Q26H.
Identifiers: ClinVar variation 1986955 (VCV001986955.2), dbSNP rs756408923, ClinGen allele CA8442711.

ClinVar aggregate classification (germline): Uncertain significance. Review status: criteria provided, multiple submitters, no conflicts (2 of 4 stars). 2 submissions from 2 submitters: Uncertain significance (2). Last evaluated 2022-08-08.

Conditions:
Inborn genetic diseases. Identifiers: MedGen C0950123, MeSH D030342.

Allele frequency attached by ClinVar (database versions not stated): gnomAD 0.00001; gnomAD exomes 0.00001; TOPMed 0.00001.
gnomAD v4.1: 10 of 1,584,066 alleles (0.00063%); highest among the groups gnomAD compares: Non-Finnish European, 0.00077%; no homozygotes.

Submissions (2):

Labcorp Genetics (formerly Invitae), Labcorp
Classification: Uncertain significance. Last evaluated: 2022-08-08. Review status: criteria provided, single submitter. Criteria: Invitae Variant Classification Sherloc (09022015). Collection method: clinical testing. Allele origin: germline.
Comment: This sequence change replaces glutamine, which is neutral and polar, with histidine, which is basic and polar, at codon 26 of the ALDH3A2 protein (p.Gln26His). This variant is present in population databases (rs756408923, gnomAD 0.001%). This variant has not been reported in the literature in individuals affected with ALDH3A2-related conditions. Algorithms developed to predict the effect of missense changes on protein structure and function are either unavailable or do not agree on the potential impact of this missense change (SIFT: "Deleterious"; PolyPhen-2: "Probably Damaging"; Align-GVGD: "Class C0"). In summary, the available evidence is currently insufficient to determine the role of this variant in disease. Therefore, it has been classified as a Variant of Uncertain Significance.

Ambry Genetics
Classification: Uncertain significance for Inborn genetic diseases. Last evaluated: 2022-01-18. Review status: criteria provided, single submitter. Criteria: Ambry Variant Classification Scheme 2023. Collection method: clinical testing. Allele origin: germline.